The following is an entry in ClinVar:

ClinVar aggregate classification (germline): Benign (1 of 4 stars; one submission).

Allele frequency attached by ClinVar (database versions not stated): 1000 Genomes Project 0.82009; 1000 Genomes Project 30x 0.89101; TOPMed 0.89240; gnomAD 0.90000 and 0.90675; gnomAD exomes 0.97013.
gnomAD v4.1: 535,114 of 561,838 alleles (95%); highest among the groups gnomAD compares: East Asian, 98%; 256,749 homozygotes.

Submission:

GeneDx
Classification: Benign. Last evaluated: 2018-06-14. Review status: criteria provided, single submitter. Criteria: GeneDx Variant Classification (06012015). Collection method: clinical testing. Allele origin: germline. Affected: yes.
Comment: This variant is considered likely benign or benign based on one or more of the following criteria: it is a conservative change, it occurs at a poorly conserved position in the protein, it is predicted to be benign by multiple in silico algorithms, and/or has population frequency not consistent with disease.

NM_006070.6(TFG):c.269-140T>A

Gene: TFG (trafficking from ER to golgi regulator; plus strand). Cytogenetic location: 3q12.2.
Variant type: single nucleotide variant.
Coding change: c.269-140T>A on transcript NM_006070.6 (MANE Select); 140 bases into the intron before coding-DNA position 269, T replaced by A.
Molecular consequence: intron variant.
Genome position (GRCh38, 1-based): chr3:100,728,572, T>A. VCF-style: chr3-100728572-T-A. GRCh37 (hg19) VCF-style: chr3-100447416-T-A.
Other names: c.269-140T>A (NM_001007565.2, NM_001195479.2, NM_001195478.2).
Identifiers: ClinVar variation 673469 (VCV000673469.1), dbSNP rs1143775, ClinGen allele CA79699848.